The following is an entry in ClinVar:

ClinVar aggregate classification (germline): Uncertain significance. Review status: criteria provided, multiple submitters, no conflicts (2 of 4 stars). 2 submissions from 2 submitters: Uncertain significance (2). Last evaluated 2024-05-28.

Conditions:
Inborn genetic diseases. Identifiers: MedGen C0950123, MeSH D030342.

Submissions (2):

Ambry Genetics
Classification: Uncertain significance for Inborn genetic diseases. Last evaluated: 2024-05-28. Review status: criteria provided, single submitter. Criteria: Ambry Variant Classification Scheme 2023. Collection method: clinical testing. Allele origin: germline.

Labcorp Genetics (formerly Invitae), Labcorp
Classification: Uncertain significance. Last evaluated: 2019-09-15. Review status: criteria provided, single submitter. Criteria: Invitae Variant Classification Sherloc (09022015). Collection method: clinical testing. Allele origin: germline.
Comment: In summary, the available evidence is currently insufficient to determine the role of this variant in disease. Therefore, it has been classified as a Variant of Uncertain Significance. Algorithms developed to predict the effect of missense changes on protein structure and function output the following: SIFT: "Tolerated"; PolyPhen-2: "Benign"; Align-GVGD: "Class C0". The glutamic acid amino acid residue is found in multiple mammalian species, suggesting that this missense change does not adversely affect protein function. These predictions have not been confirmed by published functional studies and their clinical significance is uncertain. This variant has not been reported in the literature in individuals with RETREG1-related conditions. This variant is not present in population databases (ExAC no frequency). This sequence change replaces aspartic acid with glutamic acid at codon 363 of the RETREG1 protein (p.Asp363Glu). The aspartic acid residue is highly conserved and there is a small physicochemical difference between aspartic acid and glutamic acid.

NM_001034850.3(RETREG1):c.1089T>G (p.Asp363Glu)

Gene: RETREG1 (reticulophagy regulator 1; minus strand). Cytogenetic location: 5p15.1.
Variant type: single nucleotide variant.
Coding change: c.1089T>G on transcript NM_001034850.3 (MANE Select); coding-DNA position 1089, T replaced by G.
Protein change: p.Asp363Glu; replaces aspartic acid 363 with glutamic acid.
Molecular consequence: missense variant.
Genome position (GRCh38, 1-based): chr5:16,475,146, A>C on the plus strand (T>G on the coding strand, the complement: RETREG1 is on the minus strand). VCF-style: chr5-16475146-A-C. GRCh37 (hg19) VCF-style: chr5-16475255-A-C.
Other names: c.666T>G, p.Asp222Glu (NM_019000.5); c.1089T>G (NM_001034850.1); short protein forms D363E, D222E.
Identifiers: ClinVar variation 933522 (VCV000933522.8), dbSNP rs200156015, ClinGen allele CA359256518.